The following is an entry in ClinVar:

NM_006206.6(PDGFRA):c.3157G>A (p.Gly1053Ser)

Gene: PDGFRA (platelet derived growth factor receptor alpha; plus strand). Cytogenetic location: 4q12.
Variant type: single nucleotide variant.
Coding change: c.3157G>A on transcript NM_006206.6 (MANE Select); coding-DNA position 3157, G replaced by A.
Protein change: p.Gly1053Ser; replaces glycine 1053 with serine.
Molecular consequence: missense variant.
Genome position (GRCh38, 1-based): chr4:54,295,159, G>A. VCF-style: chr4-54295159-G-A. GRCh37 (hg19) VCF-style: chr4-55161326-G-A.
Other names: c.3157G>A (NM_006206.4); c.3232G>A, p.Gly1078Ser (NM_001347828.2); c.3157G>A, p.Gly1053Ser (NM_001347829.2); c.3196G>A, p.Gly1066Ser (NM_001347830.2); short protein forms G1053S, G1066S, G1078S.
Identifiers: ClinVar variation 1007912 (VCV001007912.17), dbSNP rs1215673916, ClinGen allele CA356896515.

ClinVar aggregate classification (germline): Uncertain significance. Review status: criteria provided, multiple submitters, no conflicts (2 of 4 stars). 2 submissions from 2 submitters: Uncertain significance (2). Last evaluated 2024-12-04.

Conditions:
Gastrointestinal stromal tumor. Also called: Gastrointestinal stromal tumor, somatic; Gastrointestinal stroma tumor. Identifiers: Orphanet 44890, MedGen C0238198, MeSH D046152, MONDO:0011719, OMIM 606764, HP:0100723.
Hereditary cancer-predisposing syndrome. Also called: Neoplastic Syndromes, Hereditary; Hereditary Cancer Syndrome; Hereditary neoplastic syndrome; Tumor predisposition. Identifiers: Orphanet 140162, MedGen C0027672, MeSH D009386, MONDO:0015356.

Submissions (2):

Labcorp Genetics (formerly Invitae), Labcorp
Classification: Uncertain significance for Gastrointestinal stromal tumor. Last evaluated: 2024-12-04. Review status: criteria provided, single submitter. Criteria: Invitae Variant Classification Sherloc (09022015). Collection method: clinical testing. Allele origin: germline.
Comment: This sequence change replaces glycine, which is neutral and non-polar, with serine, which is neutral and polar, at codon 1053 of the PDGFRA protein (p.Gly1053Ser). This variant is not present in population databases (gnomAD no frequency). This variant has not been reported in the literature in individuals affected with PDGFRA-related conditions. ClinVar contains an entry for this variant (Variation ID: 1007912). Invitae Evidence Modeling of protein sequence and biophysical properties (such as structural, functional, and spatial information, amino acid conservation, physicochemical variation, residue mobility, and thermodynamic stability) indicates that this missense variant is not expected to disrupt PDGFRA protein function with a negative predictive value of 80%. In summary, the available evidence is currently insufficient to determine the role of this variant in disease. Therefore, it has been classified as a Variant of Uncertain Significance.

Ambry Genetics
Classification: Uncertain significance for Hereditary cancer-predisposing syndrome. Last evaluated: 2023-01-05. Review status: criteria provided, single submitter. Criteria: Ambry Variant Classification Scheme 2023. Collection method: clinical testing. Allele origin: germline.
Comment: The p.G1053S variant (also known as c.3157G>A), located in coding exon 22 of the PDGFRA gene, results from a G to A substitution at nucleotide position 3157. The glycine at codon 1053 is replaced by serine, an amino acid with similar properties. This amino acid position is conserved. In addition, this alteration is predicted to be tolerated by in silico analysis. Since supporting evidence is limited at this time, the clinical significance of this alteration remains unclear.